The following is an entry in ClinVar:

NM_133497.4(KCNV2):c.1455C>T (p.Asn485=)

Gene: KCNV2 (potassium voltage-gated channel modifier subfamily V member 2; plus strand). Cytogenetic location: 9p24.2.
Variant type: single nucleotide variant.
Coding change: c.1455C>T on transcript NM_133497.4 (MANE Select); coding-DNA position 1455, C replaced by T.
Protein change: p.Asn485=; no amino-acid change (asparagine 485 retained).
Molecular consequence: synonymous variant.
Genome position (GRCh38, 1-based): chr9:2,729,544, C>T. VCF-style: chr9-2729544-C-T. GRCh37 (hg19) VCF-style: chr9-2729544-C-T.
Other names: c.1455C>T (NM_133497.3).
Identifiers: ClinVar variation 1123903 (VCV001123903.9), dbSNP rs112479446, ClinGen allele CA4965924.
Genomic context (GRCh38, chr9:2,729,544, plus strand): 5'-AGAGACCCACCTGGGCAGGTTTTTTGCCTTCCTCTGCATTGCTTTTGGGATCATTCTCAA[C>T]GGGATGCCCATTTCCATCCTCTACAACAAGTTTTCTGATTACTACAGCAAGCTGAAGGCT-3'
Protein context (NP_598004.1, residues 475-495): FLCIAFGIIL[Asn485=]GMPISILYNK

ClinVar aggregate classification (germline): Likely benign. Review status: criteria provided, multiple submitters, no conflicts (2 of 4 stars). 3 submissions from 3 submitters: Likely benign (3). Last evaluated 2025-11-22.

Conditions:
KCNV2-related disorder. Also called: KCNV2-related condition.

Allele frequency attached by ClinVar (database versions not stated): ExAC 0.00012; gnomAD exomes 0.00016 and 0.00045; ESP Exome Variant Server 0.00023; gnomAD 0.00035 and 0.00036; TOPMed 0.00036.
gnomAD v4.1: 708 of 1,614,096 alleles (0.044%); highest among the groups gnomAD compares: African/African-American, 0.11%; no homozygotes.

Submissions (3):

Labcorp Genetics (formerly Invitae), Labcorp
Classification: Likely benign. Last evaluated: 2025-11-22. Review status: criteria provided, single submitter. Criteria: Invitae Variant Classification Sherloc (09022015). Collection method: clinical testing. Allele origin: germline.

PreventionGenetics, part of Exact Sciences
Classification: Likely benign for KCNV2-related condition. Last evaluated: 2024-12-13. Review status: criteria provided, single submitter. Criteria: ACMG Guidelines, 2015. Collection method: clinical testing. Allele origin: germline.
Comment: This variant is classified as likely benign based on ACMG/AMP sequence variant interpretation guidelines (Richards et al. 2015 PMID: 25741868, with internal and published modifications).

Blueprint Genetics
Classification: Likely benign. Last evaluated: 2024-09-16. Review status: criteria provided, single submitter. Criteria: ACMG Guidelines, 2015. Collection method: clinical testing. Allele origin: germline.